The following is an entry in ClinVar:

NM_006415.4(SPTLC1):c.378G>C (p.Lys126Asn)

Gene: SPTLC1 (serine palmitoyltransferase long chain base subunit 1; minus strand). Cytogenetic location: 9q22.31.
Variant type: single nucleotide variant.
Coding change: c.378G>C on transcript NM_006415.4 (MANE Select); coding-DNA position 378, G replaced by C.
Protein change: p.Lys126Asn; replaces lysine 126 with asparagine.
Molecular consequence: missense variant. On other transcripts: 5 prime UTR variant (2).
Genome position (GRCh38, 1-based): chr9:92,080,065, C>G on the plus strand (G>C on the coding strand, the complement: SPTLC1 is on the minus strand). VCF-style: chr9-92080065-C-G. GRCh37 (hg19) VCF-style: chr9-94842347-C-G.
Other names: c.378G>C (NM_006415.2); c.378G>C, p.Lys126Asn (NM_001281303.2, NM_178324.3); c.-122G>C (NM_001368272.1); c.-88G>C (NM_001368273.1); short protein forms K126N.
Identifiers: ClinVar variation 863264 (VCV000863264.10), dbSNP rs1403894821, ClinGen allele CA373788215.

ClinVar aggregate classification (germline): Uncertain significance. Review status: criteria provided, multiple submitters, no conflicts (2 of 4 stars). 2 submissions from 2 submitters: Uncertain significance (2). Last evaluated 2026-04-08.

Conditions:
Inborn genetic diseases. Identifiers: MedGen C0950123, MeSH D030342.
Hereditary sensory and autonomic neuropathy type 1 (HSAN1). Also called: HSAN 1; HSN Type I; Hereditary Sensory Neuropathy Type I. Identifiers: Orphanet 36386, MedGen C0020071, MONDO:0018213.

Allele frequency attached by ClinVar (database versions not stated): gnomAD exomes below 0.00001; TOPMed 0.00001.
gnomAD v4.1: 1 of 1,614,026 alleles (0.000062%); highest among the groups gnomAD compares: Non-Finnish European, 0.000085%; no homozygotes.

Submissions (2):

Ambry Genetics
Classification: Uncertain significance for Inborn genetic diseases. Last evaluated: 2026-04-08. Review status: criteria provided, single submitter. Criteria: Ambry Variant Classification Scheme 2023. Collection method: clinical testing. Allele origin: germline.

Labcorp Genetics (formerly Invitae), Labcorp
Classification: Uncertain significance for Hereditary sensory and autonomic neuropathy type 1. Last evaluated: 2019-02-05. Review status: criteria provided, single submitter. Criteria: Invitae Variant Classification Sherloc (09022015). Collection method: clinical testing. Allele origin: germline.
Comment: This sequence change replaces lysine with asparagine at codon 126 of the SPTLC1 protein (p.Lys126Asn). The lysine residue is moderately conserved and there is a moderate physicochemical difference between lysine and asparagine. This variant is not present in population databases (ExAC no frequency). In summary, the available evidence is currently insufficient to determine the role of this variant in disease. Therefore, it has been classified as a Variant of Uncertain Significance. Algorithms developed to predict the effect of missense changes on protein structure and function are either unavailable or do not agree on the potential impact of this missense change (SIFT: "Tolerated"; PolyPhen-2: "Possibly Damaging"; Align-GVGD: "Class C0"). This variant has not been reported in the literature in individuals with SPTLC1-related conditions.